The following is an entry in ClinVar:

ClinVar aggregate classification (germline): Uncertain significance. Review status: criteria provided, multiple submitters, no conflicts (2 of 4 stars). 2 submissions from 2 submitters: Uncertain significance (2). Last evaluated 2025-11-19.

Conditions:
Hereditary cancer-predisposing syndrome. Also called: Neoplastic Syndromes, Hereditary; Hereditary Cancer Syndrome; Tumor predisposition; Hereditary neoplastic syndrome. Identifiers: Orphanet 140162, MedGen C0027672, MeSH D009386, MONDO:0015356.
Multiple endocrine neoplasia, type 1 (MEN1). Also called: MEN I; WERMER SYNDROME; Endocrine adenomatosis multiple; MEN 1; MEA I. Identifiers: Orphanet 652, MedGen C0025267, MeSH D018761, MONDO:0007540, OMIM 131100.

Submissions (2):

Ambry Genetics
Classification: Uncertain significance for Hereditary cancer-predisposing syndrome. Last evaluated: 2025-11-19. Review status: criteria provided, single submitter. Criteria: Ambry Variant Classification Scheme 2023. Collection method: clinical testing. Allele origin: germline.
Comment: The p.G111V variant (also known as c.332G>T), located in coding exon 1 of the MEN1 gene, results from a G to T substitution at nucleotide position 332. The glycine at codon 111 is replaced by valine, an amino acid with dissimilar properties. This amino acid position is well conserved in available vertebrate species. In addition, the in silico prediction for this alteration is inconclusive. Based on the available evidence, the clinical significance of this variant remains unclear.

Labcorp Genetics (formerly Invitae), Labcorp
Classification: Uncertain significance for Multiple endocrine neoplasia, type 1. Last evaluated: 2021-07-30. Review status: criteria provided, single submitter. Criteria: Invitae Variant Classification Sherloc (09022015). Collection method: clinical testing. Allele origin: germline.
Comment: In summary, the available evidence is currently insufficient to determine the role of this variant in disease. Therefore, it has been classified as a Variant of Uncertain Significance. This sequence change replaces glycine with valine at codon 111 of the MEN1 protein (p.Gly111Val). The glycine residue is moderately conserved and there is a moderate physicochemical difference between glycine and valine. This variant is not present in population databases (ExAC no frequency). This variant has not been reported in the literature in individuals affected with MEN1-related conditions. Algorithms developed to predict the effect of missense changes on protein structure and function (SIFT, PolyPhen-2, Align-GVGD) all suggest that this variant is likely to be tolerated.

NM_001370259.2(MEN1):c.332G>T (p.Gly111Val)

Gene: MEN1 (menin 1; minus strand). Cytogenetic location: 11q13.1.
Variant type: single nucleotide variant.
Coding change: c.332G>T on transcript NM_001370259.2 (MANE Select); coding-DNA position 332, G replaced by T.
Protein change: p.Gly111Val; replaces glycine 111 with valine.
Molecular consequence: missense variant.
Genome position (GRCh38, 1-based): chr11:64,809,778, C>A on the plus strand (G>T on the coding strand, the complement: MEN1 is on the minus strand). VCF-style: chr11-64809778-C-A. GRCh37 (hg19) VCF-style: chr11-64577250-C-A.
Other names: c.332G>T (NM_130799.2); c.332G>T, p.Gly111Val (NM_000244.4, NM_001370251.2, NM_001370260.2 and 9 more transcripts); short protein forms G111V.
Identifiers: ClinVar variation 1465056 (VCV001465056.7), dbSNP rs2136183365, ClinGen allele CA381187388.